The following is an entry in ClinVar:

NM_002444.3(MSN):c.13-5C>A

Gene: MSN (moesin; plus strand). Cytogenetic location: Xq12.
Variant type: single nucleotide variant.
Coding change: c.13-5C>A on transcript NM_002444.3 (MANE Select); 5 bases into the intron before coding-DNA position 13, C replaced by A.
Molecular consequence: intron variant.
Genome position (GRCh38, 1-based): chrX:65,716,813, C>A. VCF-style: chrX-65716813-C-A. GRCh37 (hg19) VCF-style: chrX-64936675-C-A.
Identifiers: ClinVar variation 2660761 (VCV002660761.24), dbSNP rs2522976480, ClinGen allele CA2693933475.

ClinVar aggregate classification (germline): Uncertain significance (1 of 4 stars; one submission).

Submission:

CeGaT Center for Human Genetics Tuebingen
Classification: Uncertain significance. Last evaluated: 2023-09-01. Review status: criteria provided, single submitter. Criteria: CeGaT Center For Human Genetics Tuebingen Variant Classification Criteria Version 2. Collection method: clinical testing. Allele origin: germline. Affected: yes. Observed: 1 variant allele.
Comment: MSN: PM2, BP4